The following is an entry in ClinVar:

ClinVar aggregate classification (germline): Uncertain significance. Review status: criteria provided, multiple submitters, no conflicts (2 of 4 stars). 2 submissions from 2 submitters: Uncertain significance (2). Last evaluated 2026-01-06.

Allele frequency attached by ClinVar (database versions not stated): ExAC 0.00006; gnomAD 0.00007 and 0.00010; gnomAD exomes 0.00008; TOPMed 0.00010; ESP Exome Variant Server 0.00028.
gnomAD v4.1: 153 of 1,206,999 alleles (0.013%); highest among the groups gnomAD compares: Non-Finnish European, 0.016%; no homozygotes.

Submissions (2):

Labcorp Genetics (formerly Invitae), Labcorp
Classification: Uncertain significance. Last evaluated: 2026-01-06. Review status: criteria provided, single submitter. Criteria: Invitae Variant Classification Sherloc (09022015). Collection method: clinical testing. Allele origin: germline.
Comment: This sequence change replaces valine, which is neutral and non-polar, with isoleucine, which is neutral and non-polar, at codon 139 of the SH3KBP1 protein (p.Val139Ile). This variant is present in population databases (rs141628714, gnomAD 0.02%). This variant has not been reported in the literature in individuals affected with SH3KBP1-related conditions. ClinVar contains an entry for this variant (Variation ID: 1382303). Invitae Evidence Modeling of protein sequence and biophysical properties (such as structural, functional, and spatial information, amino acid conservation, physicochemical variation, residue mobility, and thermodynamic stability) indicates that this missense variant is not expected to disrupt SH3KBP1 protein function with a negative predictive value of 80%. In summary, the available evidence is currently insufficient to determine the role of this variant in disease. Therefore, it has been classified as a Variant of Uncertain Significance.

Ambry Genetics
Classification: Uncertain significance. Last evaluated: 2022-11-19. Review status: criteria provided, single submitter. Criteria: Ambry Variant Classification Scheme 2023. Collection method: clinical testing. Allele origin: germline.

NM_031892.3(SH3KBP1):c.415G>A (p.Val139Ile)

Gene: SH3KBP1 (SH3 domain containing kinase binding protein 1; minus strand). Cytogenetic location: Xp22.12.
Variant type: single nucleotide variant.
Coding change: c.415G>A on transcript NM_031892.3 (MANE Select); coding-DNA position 415, G replaced by A.
Protein change: p.Val139Ile; replaces valine 139 with isoleucine.
Molecular consequence: missense variant.
Genome position (GRCh38, 1-based): chrX:19,695,717, C>T on the plus strand (G>A on the coding strand, the complement: SH3KBP1 is on the minus strand). VCF-style: chrX-19695717-C-T. GRCh37 (hg19) VCF-style: chrX-19713835-C-T.
Other names: c.304G>A, p.Val102Ile (NM_001024666.3); c.415G>A, p.Val139Ile (NM_001353890.2, NM_001353891.2, NM_001353892.2); c.238G>A, p.Val80Ile (NM_001353893.2, NM_001353894.2, NM_001353895.2); c.415G>A (NM_031892.2); short protein forms V139I, V80I, V102I.
Identifiers: ClinVar variation 1382303 (VCV001382303.7), dbSNP rs141628714, ClinGen allele CA10364870.
Genomic context (GRCh38, chrX:19,695,717, plus strand): 5'-ACTCCCCTGACAGCTCCTTGATGAAGTTGGAAGGAAACATTCCAGTCTTCCCGTTGAGAA[C>T]ACCTTCCCACCATCCTTCCTCTACCTGCAGAGATACAAACAAAAGAGCAGAGATACATGG-3'
Protein context (NP_114098.1, residues 129-149): GEVEEGWWEG[Val139Ile]LNGKTGMFPS